The following is an entry in ClinVar:

NM_024422.6(DSC2):c.587A>G (p.Tyr196Cys)

Gene: DSC2 (desmocollin 2; minus strand). Cytogenetic location: 18q12.1.
Variant type: single nucleotide variant.
Coding change: c.587A>G on transcript NM_024422.6 (MANE Select); coding-DNA position 587, A replaced by G.
Protein change: p.Tyr196Cys; replaces tyrosine 196 with cysteine.
Molecular consequence: missense variant.
Genome position (GRCh38, 1-based): chr18:31,089,482, T>C on the plus strand (A>G on the coding strand, the complement: DSC2 is on the minus strand). VCF-style: chr18-31089482-T-C. GRCh37 (hg19) VCF-style: chr18-28669445-T-C.
Other names: c.587A>G, p.Tyr196Cys (NM_004949.5); short protein forms Y196C.
Identifiers: ClinVar variation 1332013 (VCV001332013.3), dbSNP rs1987518387, ClinGen allele CA402113497.

ClinVar aggregate classification (germline): Uncertain significance (1 of 4 stars; one submission).

Conditions:
Cardiomyopathy (CMYO). Also called: Cardiomyopathies. Identifiers: Orphanet 167848, MedGen C0878544, MONDO:0004994, HP:0001638. Inheritance: Various modes of inheritance.

Allele frequency attached by ClinVar (database versions not stated): gnomAD 0.00001.
gnomAD v4.1: 1 of 1,613,788 alleles (0.000062%); highest among the groups gnomAD compares: African/African-American, 0.0013%; no homozygotes.

Submission:

Color Diagnostics, LLC DBA Color Health
Classification: Uncertain significance for Cardiomyopathy. Last evaluated: 2024-03-06. Review status: criteria provided, single submitter. Criteria: ACMG Guidelines, 2015. Collection method: clinical testing. Allele origin: germline.
Comment: This missense variant replaces tyrosine with cysteine at codon 196 of the DSC2 protein. Computational prediction suggests that this variant may not impact protein structure and function (internally defined REVEL score threshold <= 0.5, PMID: 27666373). To our knowledge, functional studies have not been reported for this variant. This variant has not been reported in individuals affected with cardiovascular disorders in the literature. This variant has not been identified in the general population by the Genome Aggregation Database (gnomAD). The available evidence is insufficient to determine the role of this variant in disease conclusively. Therefore, this variant is classified as a Variant of Uncertain Significance.